The following is an entry in ClinVar:

ClinVar aggregate classification (germline): Uncertain significance. Review status: criteria provided, multiple submitters, no conflicts (2 of 4 stars). 2 submissions from 2 submitters: Uncertain significance (2). Last evaluated 2025-09-09.

Conditions:
Emery-Dreifuss muscular dystrophy 5, autosomal dominant (EDMD5). Also called: EMERY-DREIFUSS MUSCULAR DYSTROPHY 5. Identifiers: Orphanet 261, MedGen C2751805, MONDO:0013072, OMIM 612999.

Allele frequency attached by ClinVar (database versions not stated): gnomAD exomes below 0.00001; gnomAD 0.00002; TOPMed 0.00003.
gnomAD v4.1: 8 of 1,612,656 alleles (0.0005%); highest among the groups gnomAD compares: African/African-American, 0.008%; no homozygotes.

Submissions (2):

Ambry Genetics
Classification: Uncertain significance. Last evaluated: 2025-09-09. Review status: criteria provided, single submitter. Criteria: Ambry Variant Classification Scheme 2023. Collection method: clinical testing. Allele origin: germline.

Labcorp Genetics (formerly Invitae), Labcorp
Classification: Uncertain significance for Emery-Dreifuss muscular dystrophy 5, autosomal dominant. Last evaluated: 2020-03-25. Review status: criteria provided, single submitter. Criteria: Invitae Variant Classification Sherloc (09022015). Collection method: clinical testing. Allele origin: germline.
Comment: This sequence change replaces glutamic acid with valine at codon 4203 of the SYNE2 protein (p.Glu4203Val). The glutamic acid residue is weakly conserved and there is a moderate physicochemical difference between glutamic acid and valine. In summary, the available evidence is currently insufficient to determine the role of this variant in disease. Therefore, it has been classified as a Variant of Uncertain Significance. Algorithms developed to predict the effect of missense changes on protein structure and function output the following: SIFT: "Tolerated"; PolyPhen-2: "Benign"; Align-GVGD: "Class C0". The valine amino acid residue is found in multiple mammalian species, suggesting that this missense change does not adversely affect protein function. These predictions have not been confirmed by published functional studies and their clinical significance is uncertain. This variant has not been reported in the literature in individuals with SYNE2-related conditions. This variant is not present in population databases (ExAC no frequency).

NM_182914.3(SYNE2):c.12608A>T (p.Glu4203Val)

Gene: SYNE2 (spectrin repeat containing nuclear envelope protein 2; plus strand). Cytogenetic location: 14q23.2.
Variant type: single nucleotide variant.
Coding change: c.12608A>T on transcript NM_182914.3 (MANE Select); coding-DNA position 12608, A replaced by T.
Protein change: p.Glu4203Val; replaces glutamic acid 4203 with valine.
Molecular consequence: missense variant.
Genome position (GRCh38, 1-based): chr14:64,107,606, A>T. VCF-style: chr14-64107606-A-T. GRCh37 (hg19) VCF-style: chr14-64574324-A-T.
Other names: c.12608A>T (NM_182914.2); c.12608A>T, p.Glu4203Val (NM_015180.6); short protein forms E4203V.
Identifiers: ClinVar variation 1043478 (VCV001043478.9), dbSNP rs949678604, ClinGen allele CA261831610.